The following is an entry in ClinVar:

ClinVar aggregate classification (germline): Uncertain significance. Review status: criteria provided, multiple submitters, no conflicts (2 of 4 stars). 2 submissions from 2 submitters: Uncertain significance (2). Last evaluated 2025-05-19.

Conditions:
Inborn genetic diseases. Identifiers: MedGen C0950123, MeSH D030342.

Allele frequency attached by ClinVar (database versions not stated): gnomAD exomes below 0.00001; TOPMed below 0.00001; ExAC 0.00001; gnomAD 0.00001.
gnomAD v4.1: 2 of 1,612,936 alleles (0.00012%); highest among the groups gnomAD compares: Admixed American, 0.0033%; no homozygotes.

Submissions (2):

Ambry Genetics
Classification: Uncertain significance for Inborn genetic diseases. Last evaluated: 2025-05-19. Review status: criteria provided, single submitter. Criteria: Ambry Variant Classification Scheme 2023. Collection method: clinical testing. Allele origin: germline.
Comment: The p.N518S variant (also known as c.1553A>G), located in coding exon 10 of the ERCC6L2 gene, results from an A to G substitution at nucleotide position 1553. The asparagine at codon 518 is replaced by serine, an amino acid with highly similar properties. This amino acid position is conserved. In addition, this alteration is predicted to be tolerated by in silico analysis. Based on the available evidence, the clinical significance of this variant remains unclear.

Labcorp Genetics (formerly Invitae), Labcorp
Classification: Uncertain significance. Last evaluated: 2022-05-24. Review status: criteria provided, single submitter. Criteria: Invitae Variant Classification Sherloc (09022015). Collection method: clinical testing. Allele origin: germline.
Comment: In summary, the available evidence is currently insufficient to determine the role of this variant in disease. Therefore, it has been classified as a Variant of Uncertain Significance. Algorithms developed to predict the effect of missense changes on protein structure and function are either unavailable or do not agree on the potential impact of this missense change (SIFT: "Tolerated"; PolyPhen-2: "Not Available"; Align-GVGD: "Class C0"). This variant has not been reported in the literature in individuals affected with ERCC6L2-related conditions. This variant is present in population databases (rs774349418, gnomAD 0.003%). This sequence change replaces asparagine, which is neutral and polar, with serine, which is neutral and polar, at codon 529 of the ERCC6L2 protein (p.Asn529Ser).

NM_020207.7(ERCC6L2):c.1553A>G (p.Asn518Ser)

Gene: ERCC6L2 (ERCC excision repair 6 like 2; plus strand). Cytogenetic location: 9q22.32.
Variant type: single nucleotide variant.
Coding change: c.1553A>G on transcript NM_020207.7 (MANE Select); coding-DNA position 1553, A replaced by G.
Protein change: p.Asn518Ser; replaces asparagine 518 with serine.
Molecular consequence: missense variant. On other transcripts: non-coding transcript variant (1).
Genome position (GRCh38, 1-based): chr9:95,928,098, A>G. VCF-style: chr9-95928098-A-G. GRCh37 (hg19) VCF-style: chr9-98690380-A-G.
Other names: c.1553A>G, p.Asn518Ser (NM_001010895.4, NM_001375291.1, NM_001375292.1 and 2 more transcripts); short protein forms N518S.
Identifiers: ClinVar variation 1964968 (VCV001964968.6), dbSNP rs774349418, ClinGen allele CA5139601.
Genomic context (GRCh38, chr9:95,928,098, plus strand): 5'-AGTTGGAACTGGTTCACTGATTTTCTGTGGTTCATTTTCAGGTCCTTCAGCAGCTTTTAA[A>G]TCATTGCAGGAAAAACAGAGATAAAGTTCTTCTCTTTTCTTTTTCCACCAAGGTGAGTTC-3'
Protein context (NP_064592.3, residues 508-528): GKMKVLQQLL[Asn518Ser]HCRKNRDKVL